The following is an entry in ClinVar:

NM_015046.7(SETX):c.6897dup (p.Phe2300fs)

Gene: SETX (senataxin; minus strand). Cytogenetic location: 9q34.13.
Variant type: Duplication.
Coding change: c.6897dup on transcript NM_015046.7 (MANE Select); coding-DNA position 6897, one base duplicated (G; older notation c.6897dupG).
Protein change: p.Phe2300fs; shifts the reading frame from phenylalanine 2300.
Molecular consequence: frameshift variant.
Genome position (GRCh38, 1-based): chr9:132,277,098, C duplicated on the plus strand (G on the coding strand, the reverse complement: SETX is on the minus strand). VCF-style (leftmost placement, unchanged base first): chr9-132277097-A-AC. GRCh37 (hg19) VCF-style: chr9-135152484-A-AC.
Other names: c.6897dup, p.Phe2300fs (NM_001351527.2, NM_001351528.2); short protein forms F2300fs.
Identifiers: ClinVar variation 818014 (VCV000818014.6), dbSNP rs1331217337, ClinGen allele CA860623027.

ClinVar aggregate classification (germline): Pathogenic/Likely pathogenic. Review status: criteria provided, multiple submitters, no conflicts (2 of 4 stars). 3 submissions from 3 submitters: Pathogenic (1); Likely pathogenic (2). Last evaluated 2023-10-06.

Conditions:
Amyotrophic lateral sclerosis type 4 (ALS4). Also called: NEURONOPATHY, DISTAL HEREDITARY MOTOR, WITH PYRAMIDAL FEATURES; AMYOTROPHIC LATERAL SCLEROSIS 4, JUVENILE. Identifiers: Orphanet 357043, MedGen C1865409, MONDO:0011223, OMIM 602433.
Spinocerebellar ataxia, autosomal recessive, with axonal neuropathy 2 (SCAN2). Also called: Ataxia with Oculomotor Apraxia; Ataxia with Oculomotor Apraxia Type 2; ATAXIA-OCULOMOTOR APRAXIA 2; Ataxia-ocular apraxia-2. Identifiers: Orphanet 64753, MedGen C1853761, MONDO:0018996, OMIM 606002.

Allele frequency attached by ClinVar (database versions not stated): gnomAD exomes below 0.00001; TOPMed below 0.00001; gnomAD 0.00001.

Submissions (3):

Labcorp Genetics (formerly Invitae), Labcorp
Classification: Pathogenic for Amyotrophic lateral sclerosis type 4; Spinocerebellar ataxia, autosomal recessive, with axonal neuropathy 2. Last evaluated: 2023-10-06. Review status: criteria provided, single submitter. Criteria: Invitae Variant Classification Sherloc (09022015). Collection method: clinical testing. Allele origin: germline.
Comment: This sequence change creates a premature translational stop signal (p.Phe2300Valfs*2) in the SETX gene. It is expected to result in an absent or disrupted protein product. Loss-of-function variants in SETX are known to be pathogenic (PMID: 14770181). This variant is not present in population databases (gnomAD no frequency). This variant has not been reported in the literature in individuals affected with SETX-related conditions. ClinVar contains an entry for this variant (Variation ID: 818014). For these reasons, this variant has been classified as Pathogenic.

Genome-Nilou Lab
Classification: Likely pathogenic for Spinocerebellar ataxia, autosomal recessive, with axonal neuropathy 2. Last evaluated: 2023-02-08. Review status: criteria provided, single submitter. Criteria: ACMG Guidelines, 2015. Collection method: clinical testing. Allele origin: germline.

GeneDx
Classification: Likely pathogenic. Last evaluated: 2019-02-01. Review status: criteria provided, single submitter. Criteria: GeneDx Variant Classification (06012015). Collection method: clinical testing. Allele origin: germline. Affected: yes.
Comment: The c.6897dupG variant in the SETX gene has not been reported previously as a pathogenic variant nor as a benign variant, to our knowledge. The c.6897dupG variant causes a frameshift starting with codon Phenylalanine 2300, changes this amino acid to a Valine residue, and creates a premature Stop codon at position 2 of the new reading frame, denoted p.Phe2300ValfsX2. This variant is predicted to cause loss of normal protein function either through protein truncation or nonsense-mediated mRNA decay. The c.6897dupG variant is not observed in large population cohorts (Lek et al., 2016). We interpret c.6897dupG as a likely pathogenic variant.

Literature cited by the submitters: PubMed 14770181 (cited by Labcorp Genetics (formerly Invitae), Labcorp).